The following is an entry in ClinVar:

ClinVar aggregate classification (germline): Uncertain significance (1 of 4 stars; one submission).

Conditions:
Long QT syndrome (LQTS). Identifiers: MedGen C0023976, MeSH D008133, MONDO:0002442. Disease mechanism: loss of function. Inheritance: Various modes of inheritance.

Submission:

Labcorp Genetics (formerly Invitae), Labcorp
Classification: Uncertain significance for Long QT syndrome. Last evaluated: 2024-08-12. Review status: criteria provided, single submitter. Criteria: Invitae Variant Classification Sherloc (09022015). Collection method: clinical testing. Allele origin: germline.
Comment: This variant, c.3457_3459del, results in the deletion of 1 amino acid(s) of the CACNA1C protein (p.Ile1153del), but otherwise preserves the integrity of the reading frame. This variant is not present in population databases (gnomAD no frequency). This variant has not been reported in the literature in individuals affected with CACNA1C-related conditions. ClinVar contains an entry for this variant (Variation ID: 665514). Experimental studies and prediction algorithms are not available or were not evaluated, and the functional significance of this variant is currently unknown. In summary, the available evidence is currently insufficient to determine the role of this variant in disease. Therefore, it has been classified as a Variant of Uncertain Significance.

NM_000719.7(CACNA1C):c.3448ATC[3] (p.Ile1153del)

Gene: CACNA1C (calcium voltage-gated channel subunit alpha1 C; plus strand). Cytogenetic location: 12p13.33.
Variant type: Microsatellite.
Coding change: c.3448ATC[3] on transcript NM_000719.7 (MANE Select); three copies in a row of the 3-base unit ATC starting at c.3448; the reference has four copies in a row; one copy, 3 bases deleted.
Protein change: p.Ile1153del; deletes isoleucine 1153.
Molecular consequence: inframe deletion.
Genome position (GRCh38, 1-based): chr12:2,608,611-2,608,613, ATC deleted; deleting any 3 consecutive bases within chr12:2,608,601-2,608,613 gives the same sequence; the position shown is the placement nearest the transcript's 3' end. VCF-style (leftmost placement, unchanged base first): chr12-2608600-ACAT-A. GRCh37 (hg19) VCF-style: chr12-2717766-ACAT-A.
Other names: c.3448ATC[3], p.Ile1153del (NM_001129838.2, NM_001129839.2, NM_001129840.2 and 15 more transcripts); c.3508ATC[3], p.Ile1173del (NM_001129827.2, NM_001129832.2, NM_199460.4); c.3439ATC[3], p.Ile1150del (NM_001129844.2); short protein forms I1150del, I1153del, I1173del.
Identifiers: ClinVar variation 665514 (VCV000665514.9), dbSNP rs1601930701, ClinGen allele CA915947854.